The following is an entry in ClinVar:

ClinVar aggregate classification (germline): Likely benign (1 of 4 stars; one submission).

Allele frequency attached by ClinVar (database versions not stated): ExAC 0.00002; gnomAD 0.00002; gnomAD exomes 0.00002; TOPMed 0.00002.
gnomAD v4.1: 34 of 1,614,120 alleles (0.0021%); highest among the groups gnomAD compares: Non-Finnish European, 0.0027%; no homozygotes.

Submission:

CeGaT Center for Human Genetics Tuebingen
Classification: Likely benign. Last evaluated: 2024-02-01. Review status: criteria provided, single submitter. Criteria: CeGaT Center For Human Genetics Tuebingen Variant Classification Criteria Version 2. Collection method: clinical testing. Allele origin: germline. Affected: yes. Observed: 3 variant alleles.
Comment: ZNF462: BP4, BP7

NM_021224.6(ZNF462):c.6093G>A (p.Ser2031=)

Gene: ZNF462 (zinc finger protein 462; plus strand). Cytogenetic location: 9q31.2.
Variant type: single nucleotide variant.
Coding change: c.6093G>A on transcript NM_021224.6 (MANE Select); coding-DNA position 6093, G replaced by A.
Protein change: p.Ser2031=; no amino-acid change (serine 2031 retained).
Molecular consequence: synonymous variant.
Genome position (GRCh38, 1-based): chr9:106,932,526, G>A. VCF-style: chr9-106932526-G-A. GRCh37 (hg19) VCF-style: chr9-109694807-G-A.
Other names: c.3498G>A, p.Ser1166= (NM_001347997.2).
Identifiers: ClinVar variation 2659393 (VCV002659393.24), dbSNP rs533510535, ClinGen allele CA5172146.